The following is an entry in ClinVar:

NM_015634.4(KIFBP):c.667A>T (p.Met223Leu)

Gene: KIFBP (kinesin family binding protein; plus strand). Cytogenetic location: 10q22.1.
Variant type: single nucleotide variant.
Coding change: c.667A>T on transcript NM_015634.4 (MANE Select); coding-DNA position 667, A replaced by T.
Protein change: p.Met223Leu; replaces methionine 223 with leucine.
Molecular consequence: missense variant.
Genome position (GRCh38, 1-based): chr10:69,005,793, A>T. VCF-style: chr10-69005793-A-T. GRCh37 (hg19) VCF-style: chr10-70765549-A-T.
Other names: short protein forms M223L.
Identifiers: ClinVar variation 1681414 (VCV001681414.8), dbSNP rs2132113698, ClinGen allele CA376896570.
Genomic context (GRCh38, chr10:69,005,793, plus strand): 5'-TTTGAAAAGGTTTATACTCATAACCTATATTACCTAGCTCAAGTCTACCAGCATCTGGAA[A>T]TGTTTGAGAAGGCTGCTCACTATTGCCATAGTACACTAAAACGCCAGCTTGAGCACAATG-3'
Protein context (NP_056449.1, residues 213-233): YLAQVYQHLE[Met223Leu]FEKAAHYCHS

ClinVar aggregate classification (germline): Uncertain significance (1 of 4 stars; one submission).

Submission:

Labcorp Genetics (formerly Invitae), Labcorp
Classification: Uncertain significance. Last evaluated: 2021-04-10. Review status: criteria provided, single submitter. Criteria: Invitae Variant Classification Sherloc (09022015). Collection method: clinical testing. Allele origin: germline.
Comment: In summary, the available evidence is currently insufficient to determine the role of this variant in disease. Therefore, it has been classified as a Variant of Uncertain Significance. Algorithms developed to predict the effect of missense changes on protein structure and function (SIFT, PolyPhen-2, Align-GVGD) all suggest that this variant is likely to be tolerated, but these predictions have not been confirmed by published functional studies and their clinical significance is uncertain. This variant has not been reported in the literature in individuals with KIF1BP-related conditions. This variant is not present in population databases (ExAC no frequency). This sequence change replaces methionine with leucine at codon 223 of the KIF1BP protein (p.Met223Leu). The methionine residue is moderately conserved and there is a small physicochemical difference between methionine and leucine.